The following is an entry in ClinVar:

ClinVar aggregate classification (germline): Uncertain significance. Review status: criteria provided, multiple submitters, no conflicts (2 of 4 stars). 2 submissions from 2 submitters: Uncertain significance (2). Last evaluated 2025-09-01.

Allele frequency attached by ClinVar (database versions not stated): gnomAD exomes 0.00001.
gnomAD v4.1: 4 of 1,563,828 alleles (0.00026%); highest among the groups gnomAD compares: South Asian, 0.0035%; no homozygotes.

Submissions (2):

Ambry Genetics
Classification: Uncertain significance. Last evaluated: 2025-09-01. Review status: criteria provided, single submitter. Criteria: Ambry Variant Classification Scheme 2023. Collection method: clinical testing. Allele origin: germline.

Labcorp Genetics (formerly Invitae), Labcorp
Classification: Uncertain significance. Last evaluated: 2023-02-17. Review status: criteria provided, single submitter. Criteria: Invitae Variant Classification Sherloc (09022015). Collection method: clinical testing. Allele origin: germline.
Comment: An algorithm developed to predict the effect of missense changes on protein structure and function (PolyPhen-2) suggests that this variant is likely to be disruptive. ClinVar contains an entry for this variant (Variation ID: 1348612). This variant has not been reported in the literature in individuals affected with DSCAML1-related conditions. This variant is not present in population databases (gnomAD no frequency). This sequence change replaces proline, which is neutral and non-polar, with alanine, which is neutral and non-polar, at codon 951 of the DSCAML1 protein (p.Pro951Ala). In summary, the available evidence is currently insufficient to determine the role of this variant in disease. Therefore, it has been classified as a Variant of Uncertain Significance.

NM_020693.4(DSCAML1):c.2671C>G (p.Pro891Ala)

Gene: DSCAML1 (DS cell adhesion molecule like 1; minus strand). Cytogenetic location: 11q23.3.
Variant type: single nucleotide variant.
Coding change: c.2671C>G on transcript NM_020693.4 (MANE Select); coding-DNA position 2671, C replaced by G.
Protein change: p.Pro891Ala; replaces proline 891 with alanine.
Molecular consequence: missense variant.
Genome position (GRCh38, 1-based): chr11:117,480,557, G>C on the plus strand (C>G on the coding strand, the complement: DSCAML1 is on the minus strand). VCF-style: chr11-117480557-G-C. GRCh37 (hg19) VCF-style: chr11-117351272-G-C.
Other names: c.2851C>G (NM_020693.2); c.2671C>G, p.Pro891Ala (NM_001367904.1); short protein forms P891A.
Identifiers: ClinVar variation 1348612 (VCV001348612.7), dbSNP rs1447296437, ClinGen allele CA382747093.